The following is an entry in ClinVar:

NM_006206.6(PDGFRA):c.628+1G>A

Gene: PDGFRA (platelet derived growth factor receptor alpha; plus strand). Cytogenetic location: 4q12.
Variant type: single nucleotide variant.
Coding change: c.628+1G>A on transcript NM_006206.6 (MANE Select); the canonical splice donor site of the intron after coding-DNA position 628, G replaced by A.
Molecular consequence: splice donor variant.
Genome position (GRCh38, 1-based): chr4:54,263,928, G>A. VCF-style: chr4-54263928-G-A. GRCh37 (hg19) VCF-style: chr4-55130095-G-A.
Other names: c.703+1G>A (NM_001347828.2); c.628+1G>A (NM_001347827.2, NM_001347829.2); c.667+1G>A (NM_001347830.2).
Identifiers: ClinVar variation 572663 (VCV000572663.7), dbSNP rs1560469424, ClinGen allele CA356890240.

ClinVar aggregate classification (germline): Uncertain significance (1 of 4 stars; one submission).

Conditions:
Gastrointestinal stromal tumor. Also called: Gastrointestinal stromal tumor, somatic; Gastrointestinal stroma tumor. Identifiers: Orphanet 44890, MedGen C0238198, MeSH D046152, MONDO:0011719, OMIM 606764, HP:0100723.

Submission:

Labcorp Genetics (formerly Invitae), Labcorp
Classification: Uncertain significance for Gastrointestinal stromal tumor. Last evaluated: 2026-01-17. Review status: criteria provided, single submitter. Criteria: Invitae Variant Classification Sherloc (09022015). Collection method: clinical testing. Allele origin: germline.
Comment: This sequence change affects a donor splice site in intron 4 of the PDGFRA gene. It is expected to disrupt RNA splicing. Variants that disrupt the donor or acceptor splice site typically lead to a loss of protein function (PMID: 16199547), however the current clinical and genetic evidence is not sufficient to establish whether loss-of-function variants in PDGFRA cause disease. This variant is not present in population databases (gnomAD no frequency). This variant has not been reported in the literature in individuals affected with PDGFRA-related conditions. ClinVar contains an entry for this variant (Variation ID: 572663). Algorithms developed to predict the effect of sequence changes on RNA splicing suggest that this variant may disrupt the consensus splice site. In summary, the available evidence is currently insufficient to determine the role of this variant in disease. Therefore, it has been classified as a Variant of Uncertain Significance.

Literature cited by the submitters: PubMed 16199547.